The following is an entry in ClinVar:

NM_004586.3(RPS6KA3):c.243G>C (p.Lys81Asn)

Gene: RPS6KA3 (ribosomal protein S6 kinase A3; minus strand). Cytogenetic location: Xp22.12.
Variant type: single nucleotide variant.
Coding change: c.243G>C on transcript NM_004586.3 (MANE Select); coding-DNA position 243, G replaced by C.
Protein change: p.Lys81Asn; replaces lysine 81 with asparagine.
Molecular consequence: missense variant.
Genome position (GRCh38, 1-based): chrX:20,209,288, C>G on the plus strand (G>C on the coding strand, the complement: RPS6KA3 is on the minus strand). VCF-style: chrX-20209288-C-G. GRCh37 (hg19) VCF-style: chrX-20227406-C-G.
Other names: short protein forms K81N.
Identifiers: ClinVar variation 418669 (VCV000418669.2), dbSNP rs1064793356, ClinGen allele CA16621297.
Genomic context (GRCh38, chrX:20,209,288, plus strand): 5'-ATATGAAATACATATGAATTGAAAAGACAACTCTTAAAAAAGCACACACTCATGACTTAC[C>G]TTTCCAAATGATCCCTGCCCTAATACTTTTAAAAGTTCAAACTGGGAAGGATCTGCCTTT-3'
Protein context (NP_004577.1, residues 71-91): LKVLGQGSFG[Lys81Asn]VFLVKKISGS

ClinVar aggregate classification (germline): Likely pathogenic (1 of 4 stars; one submission).

Submission:

GeneDx
Classification: Likely pathogenic. Last evaluated: 2015-03-21. Review status: criteria provided, single submitter. Criteria: GeneDx Variant Classification (06012015). Collection method: clinical testing. Allele origin: germline. Affected: yes.
Comment: The K81N variant in the RPS6KA3 gene has not been published as a pathogenic variant, nor has it been reported as a benign polymorphism to our knowledge. The K81N variant was not observed in approximately 6,500 individuals of European and African American ancestry in the NHLBI Exome Sequencing Project, indicating it is not a common benign variant in these populations. The K81N variant is a semi-conservative amino acid substitution, which may impact secondary protein structure as these residues differ in some properties. This substitution occurs at a position that is conserved across species. In silico analysis predicts this variant is probably damaging to the protein structure/function. Missense variants in nearby residues (G80R, V82F) have been reported in the Human Gene Mutation Database in association with Coffin-Lowry syndrome (Stenson et al., 2014), supporting the functional importance of this region of the protein. The K81N variant is a good candidate for a disease-causing variant however the possibility it may be a rare benign variant cannot be excluded.